The following is an entry in ClinVar:

ClinVar aggregate classification (germline): Uncertain significance. Review status: criteria provided, multiple submitters, no conflicts (2 of 4 stars). 2 submissions from 2 submitters: Uncertain significance (2). Last evaluated 2021-10-08.

Conditions:
Cardiovascular phenotype. Identifiers: MedGen CN230736.
Alstrom syndrome (ALMS). Identifiers: Orphanet 64, MedGen C0268425, MONDO:0008763, OMIM 203800.

Allele frequency attached by ClinVar (database versions not stated): TOPMed below 0.00001.

Submissions (2):

Labcorp Genetics (formerly Invitae), Labcorp
Classification: Uncertain significance for Alstrom syndrome. Last evaluated: 2021-10-08. Review status: criteria provided, single submitter. Criteria: Invitae Variant Classification Sherloc (09022015). Collection method: clinical testing. Allele origin: germline.
Comment: This sequence change replaces phenylalanine with serine at codon 2605 of the ALMS1 protein (p.Phe2605Ser). The phenylalanine residue is highly conserved and there is a large physicochemical difference between phenylalanine and serine. This variant is not present in population databases (ExAC no frequency). This variant has not been reported in the literature in individuals affected with ALMS1-related conditions. Experimental studies and prediction algorithms are not available or were not evaluated, and the functional significance of this variant is currently unknown. In summary, the available evidence is currently insufficient to determine the role of this variant in disease. Therefore, it has been classified as a Variant of Uncertain Significance.

Ambry Genetics
Classification: Uncertain significance for Cardiovascular phenotype. Last evaluated: 2021-09-16. Review status: criteria provided, single submitter. Criteria: Ambry Variant Classification Scheme 2023. Collection method: clinical testing. Allele origin: germline.
Comment: The p.F2605S variant (also known as c.7814T>C), located in coding exon 10 of the ALMS1 gene, results from a T to C substitution at nucleotide position 7814. The phenylalanine at codon 2605 is replaced by serine, an amino acid with highly dissimilar properties. This amino acid position is well conserved in available vertebrate species. In addition, this alteration is predicted to be tolerated by in silico analysis. Since supporting evidence is limited at this time, the clinical significance of this alteration remains unclear.

NM_001378454.1(ALMS1):c.7811T>C (p.Phe2604Ser)

Gene: ALMS1 (ALMS1 centrosome and basal body associated protein; plus strand). Cytogenetic location: 2p13.1.
Variant type: single nucleotide variant.
Coding change: c.7811T>C on transcript NM_001378454.1 (MANE Select); coding-DNA position 7811, T replaced by C.
Protein change: p.Phe2604Ser; replaces phenylalanine 2604 with serine.
Molecular consequence: missense variant.
Genome position (GRCh38, 1-based): chr2:73,489,770, T>C. VCF-style: chr2-73489770-T-C. GRCh37 (hg19) VCF-style: chr2-73716897-T-C.
Other names: c.7814T>C, p.Phe2605Ser (NM_015120.4); short protein forms F2604S, F2605S.
Identifiers: ClinVar variation 1518576 (VCV001518576.5), dbSNP rs1672935406, ClinGen allele CA347264118.